The following is an entry in ClinVar:

ClinVar aggregate classification (germline): Likely benign (1 of 4 stars; one submission).

gnomAD v4.1: 6,710 of 1,613,096 alleles (0.42%); highest among the groups gnomAD compares: Non-Finnish European, 0.52%; 19 homozygotes.

Submission:

CeGaT Center for Human Genetics Tuebingen
Classification: Likely benign. Last evaluated: 2026-04-01. Review status: criteria provided, single submitter. Criteria: CeGaT Center For Human Genetics Tuebingen Variant Classification Criteria Version 2. Collection method: clinical testing. Allele origin: germline. Affected: yes. Observed: 2 variant alleles.
Comment: HEATR3: BP4, BP7, BS2

NM_182922.4(HEATR3):c.1905G>A (p.Pro635=)

Gene: HEATR3 (HEAT repeat containing 3; plus strand). Cytogenetic location: 16q12.1.
Variant type: single nucleotide variant.
Coding change: c.1905G>A on transcript NM_182922.4 (MANE Select); coding-DNA position 1905, G replaced by A.
Protein change: p.Pro635=; no amino-acid change (proline 635 retained).
Molecular consequence: synonymous variant. On other transcripts: non-coding transcript variant (2).
Genome position (GRCh38, 1-based): chr16:50,102,420, G>A. VCF-style: chr16-50102420-G-A. GRCh37 (hg19) VCF-style: chr16-50136331-G-A.
Other names: c.1554G>A, p.Pro518= (NM_001329729.2, NM_001329730.2); c.1212G>A, p.Pro404= (NM_001329731.2).
Identifiers: ClinVar variation 3777805 (VCV003777805.7).